The following is an entry in ClinVar:

ClinVar aggregate classification (germline): Uncertain significance (1 of 4 stars; one submission).

Conditions:
Hyperaldosteronism, familial, type IV (HALD4). Also called: FH IV; ALDOSTERONISM, PRIMARY, AND HYPERTENSION. Identifiers: Orphanet 642671, MedGen C4310756, MONDO:0014875, OMIM 617027.
Idiopathic generalized epilepsy. Also called: EIG; Generalised epilepsy. Identifiers: MedGen C0270850, MONDO:0005579, OMIM 600669.

Submission:

Labcorp Genetics (formerly Invitae), Labcorp
Classification: Uncertain significance for Idiopathic generalized epilepsy; Hyperaldosteronism, familial, type IV. Last evaluated: 2023-06-02. Review status: criteria provided, single submitter. Criteria: Invitae Variant Classification Sherloc (09022015). Collection method: clinical testing. Allele origin: germline.
Comment: In summary, the available evidence is currently insufficient to determine the role of this variant in disease. Therefore, it has been classified as a Variant of Uncertain Significance. This variant has not been reported in the literature in individuals affected with CACNA1H-related conditions. This variant results in a copy number gain of the genomic region encompassing exon(s) 2 of the CACNA1H gene. This region includes the initiator codon of the gene. This copy number gain extends beyond the assayed region for this gene and therefore may encompass additional genes. As the precise location of this event is unknown, it may be in tandem or it may be located elsewhere in the genome.

NC_000016.9:g.(?_1203738)_(1204056_?)dup

Gene: CACNA1H (calcium voltage-gated channel subunit alpha1 H; plus strand). Cytogenetic location: 16p13.3.
Variant type: Duplication.
Identifiers: ClinVar variation 2426665 (VCV002426665.4).